The following is an entry in ClinVar:

ClinVar aggregate classification (germline): Uncertain significance (1 of 4 stars; one submission).

Conditions:
Amyotrophic lateral sclerosis type 1 (ALS1). Also called: AMYOTROPHIC LATERAL SCLEROSIS 1, FAMILIAL. Identifiers: Orphanet 803, MedGen C1862939, MONDO:0007103, OMIM 105400.

Allele frequency attached by ClinVar (database versions not stated): 1000 Genomes Project 30x 0.00031; 1000 Genomes Project 0.00040; TOPMed 0.00182; gnomAD 0.00196 and 0.00203; gnomAD exomes 0.00263.
gnomAD v4.1: 1,625 of 658,022 alleles (0.25%); highest among the groups gnomAD compares: Non-Finnish European, 0.34%; 5 homozygotes.

Submission:

Illumina Laboratory Services, Illumina
Classification: Uncertain significance for Amyotrophic lateral sclerosis type 1. Last evaluated: 2018-06-19. Review status: criteria provided, single submitter. Criteria: ICSL Variant Classification Criteria 13 December 2019. Collection method: clinical testing. Allele origin: germline.
Comment: This variant was observed as part of a predisposition screen in an ostensibly healthy population. A literature search was performed for the gene, cDNA change, and amino acid change (where applicable). Publications were found based on this search. However, the evidence from the literature, in combination with allele frequency data from public databases where available, was not sufficient to rule this variant in or out of causing disease. Therefore, this variant is classified as a variant of unknown significance.

Literature cited by the submitters: PubMed 23792044.

NM_000454.5(SOD1):c.*153T>G

Gene: SOD1 (superoxide dismutase 1; plus strand). Cytogenetic location: 21q22.11.
Variant type: single nucleotide variant.
Coding change: c.*153T>G on transcript NM_000454.5 (MANE Select); 153 bases downstream of the stop codon, T replaced by G.
Molecular consequence: 3 prime UTR variant.
Genome position (GRCh38, 1-based): chr21:31,668,731, T>G. VCF-style: chr21-31668731-T-G. GRCh37 (hg19) VCF-style: chr21-33041044-T-G.
Identifiers: ClinVar variation 899188 (VCV000899188.4), dbSNP rs188029963, ClinGen allele CA319335441.